The following is an entry in ClinVar:

ClinVar aggregate classification (germline): Uncertain significance (1 of 4 stars; one submission).

Allele frequency attached by ClinVar (database versions not stated): gnomAD exomes below 0.00001.
gnomAD v4.1: 3 of 1,613,732 alleles (0.00019%); highest among the groups gnomAD compares: South Asian, 0.0033%; no homozygotes.

Submission:

Labcorp Genetics (formerly Invitae), Labcorp
Classification: Uncertain significance. Last evaluated: 2023-06-29. Review status: criteria provided, single submitter. Criteria: Invitae Variant Classification Sherloc (09022015). Collection method: clinical testing. Allele origin: germline.
Comment: This sequence change replaces alanine, which is neutral and non-polar, with glutamic acid, which is acidic and polar, at codon 864 of the MAGEL2 protein (p.Ala864Glu). The frequency data for this variant in the population databases is considered unreliable, as metrics indicate poor data quality at this position in the gnomAD database. In summary, the available evidence is currently insufficient to determine the role of this variant in disease. Therefore, it has been classified as a Variant of Uncertain Significance. Advanced modeling of protein sequence and biophysical properties (such as structural, functional, and spatial information, amino acid conservation, physicochemical variation, residue mobility, and thermodynamic stability) has been performed at Invitae for this missense variant, however the output from this modeling did not meet the statistical confidence thresholds required to predict the impact of this variant on MAGEL2 protein function. This variant has not been reported in the literature in individuals affected with MAGEL2-related conditions.

NM_019066.5(MAGEL2):c.2591C>A (p.Ala864Glu)

Gene: MAGEL2 (MAGE family member L2; minus strand). Cytogenetic location: 15q11.2.
Variant type: single nucleotide variant.
Coding change: c.2591C>A on transcript NM_019066.5 (MANE Select); coding-DNA position 2591, C replaced by A.
Protein change: p.Ala864Glu; replaces alanine 864 with glutamic acid.
Molecular consequence: missense variant.
Genome position (GRCh38, 1-based): chr15:23,645,152, G>T on the plus strand (C>A on the coding strand, the complement: MAGEL2 is on the minus strand). VCF-style: chr15-23645152-G-T. GRCh37 (hg19) VCF-style: chr15-23890299-G-T.
Other names: short protein forms A864E.
Identifiers: ClinVar variation 2988830 (VCV002988830.3), dbSNP rs1370721639, ClinGen allele CA391330696.